The following is an entry in ClinVar:

NM_014363.6(SACS):c.3346G>A (p.Gly1116Ser)

Gene: SACS (sacsin molecular chaperone; minus strand). Cytogenetic location: 13q12.12.
Variant type: single nucleotide variant.
Coding change: c.3346G>A on transcript NM_014363.6 (MANE Select); coding-DNA position 3346, G replaced by A.
Protein change: p.Gly1116Ser; replaces glycine 1116 with serine.
Molecular consequence: missense variant.
Genome position (GRCh38, 1-based): chr13:23,340,530, C>T on the plus strand (G>A on the coding strand, the complement: SACS is on the minus strand). VCF-style: chr13-23340530-C-T. GRCh37 (hg19) VCF-style: chr13-23914669-C-T.
Other names: p.Gly1116Ser; c.2905G>A, p.Gly969Ser (NM_001278055.2); short protein forms G1116S, G969S.
Identifiers: ClinVar variation 883326 (VCV000883326.9), dbSNP rs774044532, ClinGen allele CA246662335.

ClinVar aggregate classification (germline): Conflicting classifications of pathogenicity. Review status: criteria provided, conflicting classifications (1 of 4 stars). 3 submissions from 3 submitters: Uncertain significance (2); Likely benign (1). Last evaluated 2026-01-29.

Conditions:
Charlevoix-Saguenay spastic ataxia (SACS). Also called: Spastic ataxia of Charlevoix-Saguenay; AUTOSOMAL RECESSIVE SPASTIC ATAXIA OF CHARLEVOIX-SAGUENAY; SPASTIC ATAXIA 6, AUTOSOMAL RECESSIVE. Identifiers: Orphanet 98, MedGen C1849140, MONDO:0010041, OMIM 270550.
Spastic paraplegia. Identifiers: MedGen C0037772, HP:0001258.

Allele frequency attached by ClinVar (database versions not stated): gnomAD 0.00001; gnomAD exomes 0.00001; TOPMed 0.00002.
gnomAD v4.1: 21 of 1,611,792 alleles (0.0013%); highest among the groups gnomAD compares: East Asian, 0.0045%; no homozygotes.

Submissions (3):

Labcorp Genetics (formerly Invitae), Labcorp
Classification: Likely benign for Spastic paraplegia. Last evaluated: 2026-01-29. Review status: criteria provided, single submitter. Criteria: Invitae Variant Classification Sherloc (09022015). Collection method: clinical testing. Allele origin: germline.

Mayo Clinic Laboratories, Mayo Clinic
Classification: Uncertain significance. Last evaluated: 2024-08-30. Review status: criteria provided, single submitter. Criteria: ACMG Guidelines, 2015. Collection method: clinical testing. Allele origin: germline. Observed: 1 variant allele.
Comment: BP4

Illumina Laboratory Services, Illumina
Classification: Uncertain significance for Charlevoix-Saguenay spastic ataxia. Last evaluated: 2018-01-12. Review status: criteria provided, single submitter. Criteria: ICSL Variant Classification Criteria 13 December 2019. Collection method: clinical testing. Allele origin: germline.